The following is an entry in ClinVar:

NM_001257180.2(SLC20A2):c.1794+5del

Gene: SLC20A2 (solute carrier family 20 member 2; minus strand). Cytogenetic location: 8p11.21.
Variant type: Deletion.
Coding change: c.1794+5del on transcript NM_001257180.2 (MANE Select); 5 bases into the intron after coding-DNA position 1794, one base deleted (G; older notation c.1794+5delG).
Molecular consequence: intron variant.
Genome position (GRCh38, 1-based): chr8:42,428,753, C deleted on the plus strand (G on the coding strand, the reverse complement: SLC20A2 is on the minus strand); the first of 2 consecutive C bases (chr8:42,428,753-42,428,754); deleting either gives the same sequence. VCF-style (leftmost placement, unchanged base first): chr8-42428752-GC-G. GRCh37 (hg19) VCF-style: chr8-42286270-GC-G.
Other names: c.1794+5del (NM_006749.5, NM_001257181.2).
Identifiers: ClinVar variation 4976044 (VCV004976044.1).

ClinVar aggregate classification (germline): Uncertain significance (1 of 4 stars; one submission).

Submission:

GeneDx
Classification: Uncertain significance. Last evaluated: 2026-02-02. Review status: criteria provided, single submitter. Criteria: GeneDx Variant Classification Process June 2021. Collection method: clinical testing. Allele origin: germline.
Comment: Not observed at significant frequency in large population cohorts (gnomAD); In silico analysis suggests that this variant does not alter splicing; Has not been previously published as pathogenic or benign to our knowledge